The following is an entry in ClinVar:

NM_000940.3(PON3):c.94C>T (p.Arg32Ter)

Gene: PON3 (paraoxonase 3; minus strand). Cytogenetic location: 7q21.3.
Variant type: single nucleotide variant.
Coding change: c.94C>T on transcript NM_000940.3 (MANE Select); coding-DNA position 94, C replaced by T.
Protein change: p.Arg32Ter; replaces arginine 32 with a stop codon.
Molecular consequence: nonsense.
Genome position (GRCh38, 1-based): chr7:95,394,695, G>A on the plus strand (C>T on the coding strand, the complement: PON3 is on the minus strand). VCF-style: chr7-95394695-G-A. GRCh37 (hg19) VCF-style: chr7-95024007-G-A.
Other names: short protein forms R32*.
Identifiers: ClinVar variation 488870 (VCV000488870.9), dbSNP rs147006695, ClinGen allele CA4350806.

ClinVar aggregate classification (germline): Conflicting classifications of pathogenicity. Review status: criteria provided, conflicting classifications (1 of 4 stars). 4 submissions from 4 submitters: Uncertain significance (2); Likely benign (2). Last evaluated 2020-03-31.

Conditions:
Amyotrophic lateral sclerosis (ALS). Also called: Lou Gehrig disease; Charcot disease. Identifiers: Orphanet 803, MedGen C0002736, MONDO:0004976, HP:0007354.

Allele frequency attached by ClinVar (database versions not stated): 1000 Genomes Project 30x 0.00109; 1000 Genomes Project 0.00120; ESP Exome Variant Server 0.00169; TOPMed 0.00175; gnomAD 0.00192 and 0.00195.
gnomAD v4.1: 3,430 of 1,614,020 alleles (0.21%); highest among the groups gnomAD compares: Non-Finnish European, 0.26%; no homozygotes.

Submissions (4):

Suna and Inan Kirac Foundation Neurodegeneration Research Laboratory, Koc University
Classification: Likely benign for Amyotrophic lateral sclerosis. Last evaluated: 2020-03-31. Review status: criteria provided, single submitter. Criteria: ACMG Guidelines, 2015. Collection method: research. Allele origin: germline. Affected: yes. Observed: 1 variant allele.

Labcorp Genetics (formerly Invitae), Labcorp
Classification: Likely benign. Last evaluated: 2019-12-31. Review status: criteria provided, single submitter. Criteria: Invitae Variant Classification Sherloc (09022015). Collection method: clinical testing. Allele origin: germline.

Fulgent Genetics
Classification: Uncertain significance. Last evaluated: 2018-10-31. Review status: criteria provided, single submitter. Criteria: ACMG Guidelines, 2015. Collection method: clinical testing. Allele origin: unknown.

GeneDx
Classification: Uncertain significance. Last evaluated: 2016-03-03. Review status: criteria provided, single submitter. Criteria: GeneDx Variant Classification (06012015). Collection method: clinical testing. Allele origin: germline. Affected: yes.
Comment: The R32X variant in the PON3 gene has not been reported previously as a pathogenic variant nor as a benign variant, to our knowledge. This variant is predicted to cause loss of normal protein function either through protein truncation or nonsense-mediated mRNA decay. The NHLBI ESP Exome Sequencing Project reports R32X was observed in 19/8600 alleles from individuals of European American background, indicating it may be a rare variant in this population; no individuals homozygous for this allele were reported in this control population. We interpret R32X as a variant of uncertain significance.